The following is an entry in ClinVar:

NM_003242.6(TGFBR2):c.1629T>A (p.His543Gln)

Gene: TGFBR2 (transforming growth factor beta receptor 2; plus strand). Cytogenetic location: 3p24.1.
Variant type: single nucleotide variant.
Coding change: c.1629T>A on transcript NM_003242.6 (MANE Select); coding-DNA position 1629, T replaced by A.
Protein change: p.His543Gln; replaces histidine 543 with glutamine.
Molecular consequence: missense variant.
Genome position (GRCh38, 1-based): chr3:30,691,524, T>A. VCF-style: chr3-30691524-T-A. GRCh37 (hg19) VCF-style: chr3-30733016-T-A.
Other names: c.1704T>A, p.His568Gln (NM_001024847.3); c.1812T>A, p.His604Gln (NM_001407126.1); c.1737T>A, p.His579Gln (NM_001407127.1); c.1656T>A, p.His552Gln (NM_001407128.1); c.1632T>A, p.His544Gln (NM_001407129.1); c.1626T>A, p.His542Gln (NM_001407130.1); c.1524T>A, p.His508Gln (NM_001407132.1, NM_001407133.1, NM_001407134.1 and 2 more transcripts); c.1344T>A, p.His448Gln (NM_001407137.1); and 2 more; short protein forms H448Q, H508Q, H552Q, H568Q, H604Q, H543Q, H423Q, H542Q.
Identifiers: ClinVar variation 2774584 (VCV002774584.2), dbSNP rs2470604185, ClinGen allele CA351809704.
Genomic context (GRCh38, chr3:30,691,524, plus strand): 5'-CGACCCAGAGGCCCGTCTCACAGCCCAGTGTGTGGCAGAACGCTTCAGTGAGCTGGAGCA[T>A]CTGGACAGGCTCTCGGGGAGGAGCTGCTCGGAGGAGAAGATTCCTGAAGACGGCTCCCTA-3'
Protein context (NP_003233.4, residues 533-553): CVAERFSELE[His543Gln]LDRLSGRSCS

ClinVar aggregate classification (germline): Uncertain significance (1 of 4 stars; one submission).

Conditions:
Familial thoracic aortic aneurysm and aortic dissection (TAAD). Also called: Thoracic aortic aneurysms and dissections. Identifiers: Orphanet 91387, MedGen C4707243, MONDO:0019625.

Submission:

Color Diagnostics, LLC DBA Color Health
Classification: Uncertain significance for Familial thoracic aortic aneurysm and aortic dissection. Last evaluated: 2023-05-23. Review status: criteria provided, single submitter. Criteria: ACMG Guidelines, 2015. Collection method: clinical testing. Allele origin: germline.
Comment: This missense variant replaces histidine with glutamine at codon 543 of the TGFBR2 protein. Computational prediction suggests that this variant may not impact protein structure and function (internally defined REVEL score threshold <= 0.5, PMID: 27666373). To our knowledge, functional studies have not been reported for this variant. This variant has not been reported in individuals affected with TGFBR2-related disorders in the literature. This variant has not been identified in the general population by the Genome Aggregation Database (gnomAD). The available evidence is insufficient to determine the role of this variant in disease conclusively. Therefore, this variant is classified as a Variant of Uncertain Significance.